The following is an entry in ClinVar:

NM_001267550.2(TTN):c.79155G>A (p.Val26385=)

Genes: TTN-AS1 (TTN antisense RNA 1; plus strand), TTN (titin; minus strand). Cytogenetic location: 2q31.2.
Variant type: single nucleotide variant.
Coding change: c.79155G>A on transcript NM_001267550.2 (MANE Select); coding-DNA position 79155, G replaced by A.
Protein change: p.Val26385=; no amino-acid change (valine 26385 retained).
Molecular consequence: synonymous variant.
Genome position (GRCh38, 1-based): chr2:178,566,977, C>T on the plus strand (G>A on the coding strand, the complement: TTN is on the minus strand). VCF-style: chr2-178566977-C-T. GRCh37 (hg19) VCF-style: chr2-179431704-C-T.
Other names: c.74232G>A, p.Val24744= (NM_001256850.1); c.51960G>A, p.Val17320= (NM_003319.4); c.71451G>A, p.Val23817= (NM_133378.4); c.52335G>A, p.Val17445= (NM_133432.3); c.52536G>A, p.Val17512= (NM_133437.4).
Identifiers: ClinVar variation 332770 (VCV000332770.20), dbSNP rs377618488, ClinGen allele CA1989513.

ClinVar aggregate classification (germline): Conflicting classifications of pathogenicity. Review status: criteria provided, conflicting classifications (1 of 4 stars). 10 submissions from 6 submitters: Uncertain significance (3); Likely benign (7). Last evaluated 2026-04-30.

Conditions:
Cardiovascular phenotype. Identifiers: MedGen CN230736.
Myopathy, myofibrillar, 9, with early respiratory failure (MFM9). Also called: MYOPATHY, PROXIMAL, WITH EARLY RESPIRATORY MUSCLE INVOLVEMENT; Hereditary myopathy with early respiratory failure; Myopathy, distal, with early respiratory failure, autosomal dominant; EDSTROM MYOPATHY. Identifiers: Orphanet 178464, Orphanet 34521, MedGen C1863599, MONDO:0011362, OMIM 603689.
Autosomal recessive limb-girdle muscular dystrophy type 2J (LGMDR10). Also called: Limb-girdle muscular dystrophy, type 2J; MUSCULAR DYSTROPHY, LIMB-GIRDLE, AUTOSOMAL RECESSIVE 10. Identifiers: Orphanet 140922, MedGen C1837342, MONDO:0012127, OMIM 608807.
TTN-related disorder. Also called: TTN-related disorders; TTN-related condition; TTN-related disease.
Dilated cardiomyopathy 1G (CMD1G). Identifiers: Orphanet 154, MedGen C1858763, MONDO:0011400, OMIM 604145.
Early-onset myopathy with fatal cardiomyopathy (CMYO5). Also called: Salih Myopathy; CONGENITAL MYOPATHY 5 WITH CARDIOMYOPATHY. Identifiers: Orphanet 289377, MedGen C2673677, MONDO:0012714, OMIM 611705. Disease mechanism: loss of function.
Tibial muscular dystrophy (TMD). Also called: UDD MYOPATHY; Tibial muscular dystrophy, tardive; Udd Distal Myopathy – Tibial Muscular Dystrophy. Identifiers: Orphanet 609, MedGen C1838244, MONDO:0010870, OMIM 600334.

Allele frequency attached by ClinVar (database versions not stated): gnomAD exomes 0.00003 and 0.00010; ExAC 0.00004; gnomAD 0.00004; TOPMed 0.00006; ESP Exome Variant Server 0.00017.
gnomAD v4.1: 161 of 1,613,432 alleles (0.01%); highest among the groups gnomAD compares: Non-Finnish European, 0.012%; no homozygotes.

Submissions (10):

PreventionGenetics, part of Exact Sciences
Classification: Likely benign for TTN-related condition. Last evaluated: 2026-04-30. Review status: criteria provided, single submitter. Criteria: ACMG Guidelines, 2015. Collection method: clinical testing. Allele origin: germline.
Comment: This variant is classified as likely benign based on ACMG/AMP sequence variant interpretation guidelines (Richards et al. 2015 PMID: 25741868, with internal and published modifications).

Labcorp Genetics (formerly Invitae), Labcorp
Classification: Likely benign for Dilated cardiomyopathy 1G; Autosomal recessive limb-girdle muscular dystrophy type 2J. Last evaluated: 2026-01-28. Review status: criteria provided, single submitter. Criteria: Invitae Variant Classification Sherloc (09022015). Collection method: clinical testing. Allele origin: germline.

Blueprint Genetics
Classification: Likely benign. Last evaluated: 2023-10-26. Review status: criteria provided, single submitter. Criteria: ACMG Guidelines, 2015. Collection method: clinical testing. Allele origin: germline.

GeneDx
Classification: Likely benign. Last evaluated: 2020-11-05. Review status: criteria provided, single submitter. Criteria: GeneDx Variant Classification Process June 2021. Collection method: clinical testing. Allele origin: germline. Affected: yes.

Ambry Genetics
Classification: Likely benign for Cardiovascular phenotype. Last evaluated: 2019-12-23. Review status: criteria provided, single submitter. Criteria: Ambry Variant Classification Scheme 2023. Collection method: clinical testing. Allele origin: germline.

Illumina Laboratory Services, Illumina
Classification: Likely benign for Myopathy, myofibrillar, 9, with early respiratory failure. Last evaluated: 2018-01-12. Review status: criteria provided, single submitter. Criteria: ICSL Variant Classification Criteria 13 December 2019. Collection method: clinical testing. Allele origin: germline.
Comment: This variant was observed in the ICSL laboratory as part of a predisposition screen in an ostensibly healthy population. It had not been previously curated by ICSL or reported in the Human Gene Mutation Database (HGMD: prior to June 1st, 2018), and was therefore a candidate for classification through an automated scoring system. Utilizing variant allele frequency, disease prevalence and penetrance estimates, and inheritance mode, an automated score was calculated to assess if this variant is too frequent to cause the disease. Based on the score and internal cut-off values, a variant classified as likely benign is not then subjected to further curation. The score for this variant resulted in a classification of likely benign for this disease.

Illumina Laboratory Services, Illumina
Classification: Uncertain significance for Early-onset myopathy with fatal cardiomyopathy. Last evaluated: 2018-01-12. Review status: criteria provided, single submitter. Criteria: ICSL Variant Classification Criteria 13 December 2019. Collection method: clinical testing. Allele origin: germline.

Illumina Laboratory Services, Illumina
Classification: Uncertain significance for Autosomal recessive limb-girdle muscular dystrophy type 2J. Last evaluated: 2018-01-12. Review status: criteria provided, single submitter. Criteria: ICSL Variant Classification Criteria 13 December 2019. Collection method: clinical testing. Allele origin: germline.

Illumina Laboratory Services, Illumina
Classification: Uncertain significance for Dilated cardiomyopathy 1G. Last evaluated: 2018-01-12. Review status: criteria provided, single submitter. Criteria: ICSL Variant Classification Criteria 13 December 2019. Collection method: clinical testing. Allele origin: germline.

Illumina Laboratory Services, Illumina
Classification: Likely benign for Tibial muscular dystrophy. Last evaluated: 2018-01-12. Review status: criteria provided, single submitter. Criteria: ICSL Variant Classification Criteria 13 December 2019. Collection method: clinical testing. Allele origin: germline.
Comment: the same text as in the submission from Illumina Laboratory Services, Illumina above.